The following is an entry in ClinVar:

NM_003823.4(TNFRSF6B):c.523A>G (p.Thr175Ala)

Genes: RTEL1-TNFRSF6B (RTEL1-TNFRSF6B readthrough (NMD candidate); plus strand), TNFRSF6B (TNF receptor superfamily member 6b; plus strand). Cytogenetic location: 20q13.33.
Variant type: single nucleotide variant.
Coding change: c.523A>G on transcript NM_003823.4 (MANE Select); coding-DNA position 523, A replaced by G.
Protein change: p.Thr175Ala; replaces threonine 175 with alanine.
Molecular consequence: missense variant. On other transcripts: non-coding transcript variant (1).
Genome position (GRCh38, 1-based): chr20:63,697,426, A>G. VCF-style: chr20-63697426-A-G. GRCh37 (hg19) VCF-style: chr20-62328779-A-G.
Other names: short protein forms T175A.
Identifiers: ClinVar variation 1448818 (VCV001448818.6), dbSNP rs752074623, ClinGen allele CA9966494.
Genomic context (GRCh38, chr20:63,697,426, plus strand): 5'-CCAGGCACCTTCTCAGCCAGCAGCTCCAGCTCAGAGCAGTGCCAGCCCCACCGCAACTGC[A>G]CGGCCCTGGGCCTGGCCCTCAATGTGCCAGGCTCTTCCTCCCATGACACCCTGTGCACCA-3'
Protein context (NP_003814.1, residues 165-185): SEQCQPHRNC[Thr175Ala]ALGLALNVPG

ClinVar aggregate classification (germline): Uncertain significance (1 of 4 stars; one submission).

Allele frequency attached by ClinVar (database versions not stated): ExAC 0.00001; gnomAD 0.00001; gnomAD exomes 0.00001.

Submission:

Labcorp Genetics (formerly Invitae), Labcorp
Classification: Uncertain significance. Last evaluated: 2021-10-31. Review status: criteria provided, single submitter. Criteria: Invitae Variant Classification Sherloc (09022015). Collection method: clinical testing. Allele origin: germline.
Comment: This sequence change replaces threonine, which is neutral and polar, with alanine, which is neutral and non-polar, at codon 175 of the TNFRSF6B protein (p.Thr175Ala). The frequency data for this variant in the population databases is considered unreliable, as metrics indicate poor data quality at this position in the gnomAD database. This variant has not been reported in the literature in individuals affected with TNFRSF6B-related conditions. Algorithms developed to predict the effect of missense changes on protein structure and function are either unavailable or do not agree on the potential impact of this missense change (SIFT: "Deleterious"; PolyPhen-2: "Benign"; Align-GVGD: "Class C0"). In summary, the available evidence is currently insufficient to determine the role of this variant in disease. Therefore, it has been classified as a Variant of Uncertain Significance.